The following is an entry in ClinVar:

ClinVar aggregate classification (germline): Likely pathogenic (1 of 4 stars; one submission).

Conditions:
Bardet-Biedl syndrome 2 (BBS2). Identifiers: Orphanet 110, MedGen C2936863, MONDO:0014432, OMIM 615981.

Submission:

Myriad Genetics, Inc.
Classification: Likely pathogenic for Bardet-Biedl syndrome 2. Last evaluated: 2019-03-30. Review status: criteria provided, single submitter. Criteria: Myriad Women's Health Autosomal Recessive and X-Linked Classification Criteria (2019). Collection method: clinical testing. Allele origin: unknown.
Comment: NM_031885.3(BBS2):c.343G>T(E115*) is expected to be pathogenic in the context of Bardet-Biedl syndrome, BBS2-related. This variant is predicted to lead to an abnormal or absent protein product due to the creation of a premature termination codon in BBS2, a gene where loss-of-function variants are known to be pathogenic. Please note: this variant was assessed in the context of healthy population screening.

NM_031885.5(BBS2):c.343G>T (p.Glu115Ter)

Gene: BBS2 (Bardet-Biedl syndrome 2; minus strand). Cytogenetic location: 16q13.
Variant type: single nucleotide variant.
Coding change: c.343G>T on transcript NM_031885.5 (MANE Select); coding-DNA position 343, G replaced by T.
Protein change: p.Glu115Ter; replaces glutamic acid 115 with a stop codon.
Molecular consequence: nonsense. On other transcripts: non-coding transcript variant (5).
Genome position (GRCh38, 1-based): chr16:56,514,455, C>A on the plus strand (G>T on the coding strand, the complement: BBS2 is on the minus strand). VCF-style: chr16-56514455-C-A. GRCh37 (hg19) VCF-style: chr16-56548367-C-A.
Other names: c.343G>T, p.Glu115Ter (NM_001377456.1); short protein forms E115*.
Identifiers: ClinVar variation 984326 (VCV000984326.3), dbSNP rs1964674209, ClinGen allele CA395985290.